The following is an entry in ClinVar:

ClinVar aggregate classification (germline): Conflicting classifications of pathogenicity. Review status: criteria provided, conflicting classifications (1 of 4 stars). 2 submissions from 2 submitters: Uncertain significance (1); Likely benign (1). Last evaluated 2025-04-01.

Conditions:
Diamond-Blackfan anemia 1 (DBA1). Also called: RPS19-Related Diamond-Blackfan Anemia; BLACKFAN-DIAMOND SYNDROME; ANEMIA, CONGENITAL HYPOPLASTIC, OF BLACKFAN AND DIAMOND; ANEMIA, CONGENITAL ERYTHROID HYPOPLASTIC; RED CELL APLASIA, PURE, HEREDITARY; AREGENERATIVE ANEMIA, CHRONIC CONGENITAL. Identifiers: Orphanet 124, MedGen C2676137, MONDO:0007110, OMIM 105650.
Diamond-Blackfan anemia. Also called: Aase syndrome; Blackfan Diamond syndrome; Aregenerative anemia chronic congenital; Red cell aplasia, pure hereditary; Congenital hypoplastic anemia. Identifiers: Orphanet 124, MedGen C1260899, MeSH D029503, MONDO:0015253, HP:0004810.

Allele frequency attached by ClinVar (database versions not stated): gnomAD exomes below 0.00001 and 0.00003; gnomAD 0.00001; TOPMed 0.00002.

Submissions (2):

Labcorp Genetics (formerly Invitae), Labcorp
Classification: Likely benign for Diamond-Blackfan anemia. Last evaluated: 2025-04-01. Review status: criteria provided, single submitter. Criteria: Invitae Variant Classification Sherloc (09022015). Collection method: clinical testing. Allele origin: germline.

Johns Hopkins Genomics, Johns Hopkins University
Classification: Uncertain significance for Diamond-Blackfan anemia 1. Last evaluated: 2020-08-28. Review status: criteria provided, single submitter. Criteria: ACMG Guidelines, 2015. Collection method: clinical testing. Allele origin: germline.
Comment: This RPS19 variant is rare (<0.1%) in a large population dataset (gnomAD: 1/251260 total alleles; 0.0004%; no homozygotes) and has not been reported in ClinVar nor the literature, to our knowledge. Bioinformatic analysis predicts that this synonymous variant would not affect normal exon 5 splicing, although this has not been confirmed experimentally to our knowledge. Due to insufficient evidence, we consider the clinical significance of c.393G>A to be uncertain at this time.

NM_001022.4(RPS19):c.393G>A (p.Leu131=)

Genes: RPS19 (ribosomal protein S19; plus strand), RPS19-CD79A (RPS19-CD79A readthrough; plus strand). Cytogenetic location: 19q13.2.
Variant type: single nucleotide variant.
Coding change: c.393G>A on transcript NM_001022.4 (MANE Select); coding-DNA position 393, G replaced by A.
Protein change: p.Leu131=; no amino-acid change (leucine 131 retained).
Molecular consequence: synonymous variant. On other transcripts: missense variant (1).
Genome position (GRCh38, 1-based): chr19:41,869,735, G>A. VCF-style: chr19-41869735-G-A. GRCh37 (hg19) VCF-style: chr19-42373805-G-A.
Other names: c.393G>A, p.Leu131= (NM_001321483.2, NM_001321484.2); c.406G>A, p.Gly136Arg (NM_001321485.2); short protein forms G136R.
Identifiers: ClinVar variation 977498 (VCV000977498.10), dbSNP rs1447794153, ClinGen allele CA507576467.